The following is an entry in ClinVar:

ClinVar aggregate classification (germline): Uncertain significance. Review status: criteria provided, multiple submitters, no conflicts (2 of 4 stars). 2 submissions from 2 submitters: Uncertain significance (2). Last evaluated 2025-02-21.

Conditions:
Hereditary cancer-predisposing syndrome. Also called: Neoplastic Syndromes, Hereditary; Hereditary Cancer Syndrome; Tumor predisposition; Hereditary neoplastic syndrome. Identifiers: Orphanet 140162, MedGen C0027672, MeSH D009386, MONDO:0015356.
Bloom syndrome (BLM). Also called: Bloom-Torre-Machacek syndrome. Identifiers: Orphanet 125, MedGen C0005859, MONDO:0008876, OMIM 210900.

Submissions (2):

Ambry Genetics
Classification: Uncertain significance for Hereditary cancer-predisposing syndrome. Last evaluated: 2025-02-21. Review status: criteria provided, single submitter. Criteria: Ambry Variant Classification Scheme 2023. Collection method: clinical testing. Allele origin: germline.
Comment: The p.I1100T variant (also known as c.3299T>C), located in coding exon 16 of the BLM gene, results from a T to C substitution at nucleotide position 3299. The isoleucine at codon 1100 is replaced by threonine, an amino acid with similar properties. This amino acid position is conserved. In addition, this alteration is predicted to be tolerated by in silico analysis. Based on the available evidence, the clinical significance of this variant remains unclear.

Labcorp Genetics (formerly Invitae), Labcorp
Classification: Uncertain significance for Bloom syndrome. Last evaluated: 2025-02-16. Review status: criteria provided, single submitter. Criteria: Invitae Variant Classification Sherloc (09022015). Collection method: clinical testing. Allele origin: germline.
Comment: This sequence change replaces isoleucine, which is neutral and non-polar, with threonine, which is neutral and polar, at codon 1100 of the BLM protein (p.Ile1100Thr). This variant is not present in population databases (gnomAD no frequency). This variant has not been reported in the literature in individuals affected with BLM-related conditions. ClinVar contains an entry for this variant (Variation ID: 2693368). An algorithm developed to predict the effect of missense changes on protein structure and function outputs the following: PolyPhen-2: "Benign". The threonine amino acid residue is found in multiple mammalian species, which suggests that this missense change does not adversely affect protein function. In summary, the available evidence is currently insufficient to determine the role of this variant in disease. Therefore, it has been classified as a Variant of Uncertain Significance.

NM_000057.4(BLM):c.3299T>C (p.Ile1100Thr)

Gene: BLM (BLM RecQ like helicase; plus strand). Cytogenetic location: 15q26.1.
Variant type: single nucleotide variant.
Coding change: c.3299T>C on transcript NM_000057.4 (MANE Select); coding-DNA position 3299, T replaced by C.
Protein change: p.Ile1100Thr; replaces isoleucine 1100 with threonine.
Molecular consequence: missense variant.
Genome position (GRCh38, 1-based): chr15:90,798,278, T>C. VCF-style: chr15-90798278-T-C. GRCh37 (hg19) VCF-style: chr15-91341508-T-C.
Other names: c.3299T>C, p.Ile1100Thr (NM_001287246.2, NM_001287247.2); c.2174T>C, p.Ile725Thr (NM_001287248.2); short protein forms I1100T, I725T.
Identifiers: ClinVar variation 2693368 (VCV002693368.4), dbSNP rs755282763, ClinGen allele CA393847291.